The following is an entry in ClinVar:

NM_002972.4(SBF1):c.4807G>T (p.Ala1603Ser)

Gene: SBF1 (SET binding factor 1; minus strand). Cytogenetic location: 22q13.33.
Variant type: single nucleotide variant.
Coding change: c.4807G>T on transcript NM_002972.4 (MANE Select); coding-DNA position 4807, G replaced by T.
Protein change: p.Ala1603Ser; replaces alanine 1603 with serine.
Molecular consequence: missense variant.
Genome position (GRCh38, 1-based): chr22:50,454,819, C>A on the plus strand (G>T on the coding strand, the complement: SBF1 is on the minus strand). VCF-style: chr22-50454819-C-A. GRCh37 (hg19) VCF-style: chr22-50893248-C-A.
Other names: c.4732G>T, p.Ala1578Ser (NM_001365819.1); c.4810G>T, p.Ala1604Ser (NM_001410794.1); c.4729G>T, p.Ala1577Ser (NM_001410795.1); c.4807G>T (NM_002972.2); short protein forms A1577S, A1578S, A1603S, A1604S.
Identifiers: ClinVar variation 3768612 (VCV003768612.2).

ClinVar aggregate classification (germline): Uncertain significance. Review status: criteria provided, multiple submitters, no conflicts (2 of 4 stars). 2 submissions from 2 submitters: Uncertain significance (2). Last evaluated 2025-06-18.

gnomAD v4.1: 1 of 1,613,844 alleles (0.000062%); highest among the groups gnomAD compares: Non-Finnish European, 0.000085%; no homozygotes.

Submissions (2):

Ambry Genetics
Classification: Uncertain significance. Last evaluated: 2025-06-18. Review status: criteria provided, single submitter. Criteria: Ambry Variant Classification Scheme 2023. Collection method: clinical testing. Allele origin: germline.

Women's Health and Genetics/Laboratory Corporation of America, LabCorp
Classification: Uncertain significance. Last evaluated: 2025-02-11. Review status: criteria provided, single submitter. Criteria: LabCorp Variant Classification Summary - May 2015. Collection method: clinical testing. Allele origin: germline.
Comment: Variant summary: SBF1 c.4807G>T (p.Ala1603Ser) results in a conservative amino acid change in the encoded protein sequence. Five of five in-silico tools predict a benign effect of the variant on protein function. The variant was absent in 248688 control chromosomes. The available data on variant occurrences in the general population are insufficient to allow any conclusion about variant significance. To our knowledge, no occurrence of c.4807G>T in individuals affected with Charcot-Marie-Tooth disease type 4B3 and no experimental evidence demonstrating its impact on protein function have been reported. No submitters have cited clinical-significance assessments for this variant to ClinVar. Based on the evidence outlined above, the variant was classified as uncertain significance.